The following is an entry in ClinVar:

NM_001127222.2(CACNA1A):c.6575C>T (p.Ser2192Leu)

Gene: CACNA1A (calcium voltage-gated channel subunit alpha1 A; minus strand). Cytogenetic location: 19p13.13.
Variant type: single nucleotide variant.
Coding change: c.6575C>T on transcript NM_001127222.2 (MANE Select); coding-DNA position 6575, C replaced by T.
Protein change: p.Ser2192Leu; replaces serine 2192 with leucine.
Molecular consequence: missense variant.
Genome position (GRCh38, 1-based): chr19:13,208,961, G>A on the plus strand (C>T on the coding strand, the complement: CACNA1A is on the minus strand). VCF-style: chr19-13208961-G-A. GRCh37 (hg19) VCF-style: chr19-13319775-G-A.
Other names: c.6593C>T, p.Ser2198Leu (NM_000068.4, NM_023035.3); c.6578C>T, p.Ser2193Leu (NM_001127221.2); c.6584C>T, p.Ser2195Leu (NM_001174080.2); short protein forms S2193L, S2192L, S2195L, S2198L.
Identifiers: ClinVar variation 452992 (VCV000452992.11), dbSNP rs1325697290, ClinGen allele CA404330599.

ClinVar aggregate classification (germline): Conflicting classifications of pathogenicity. Review status: criteria provided, conflicting classifications (1 of 4 stars). 2 submissions from 2 submitters: Uncertain significance (1); Likely benign (1). Last evaluated 2025-10-23.

Conditions:
Episodic ataxia type 2 (EA2). Also called: ATAXIA, EPISODIC, WITH NYSTAGMUS; ATAXIA, FAMILIAL PAROXYSMAL; CEREBELLAR ATAXIA, PAROXYSMAL, ACETAZOLAMIDE-RESPONSIVE; CEREBELLOPATHY, HEREDITARY PAROXYSMAL; ACETAZOLAMIDE-RESPONSIVE HEREDITARY PAROXYSMAL CEREBELLAR ATAXIA; EPISODIC ATAXIA, NYSTAGMUS-ASSOCIATED. Identifiers: Orphanet 97, MedGen C1720416, MONDO:0007163, OMIM 108500.
Migraine, familial hemiplegic, 1. Also called: MIGRAINE, FAMILIAL HEMIPLEGIC 1, WITH PROGRESSIVE CEREBELLAR ATAXIA. Identifiers: Orphanet 569, MedGen C1832884, MONDO:0020756, OMIM 141500, MONDO:0007714.
Developmental and epileptic encephalopathy, 42 (DEE42A). Also called: Epileptic encephalopathy, early infantile, 42; DEVELOPMENTAL AND EPILEPTIC ENCEPHALOPATHY 42A; EPILEPTIC ENCEPHALOPATHY, EARLY INFANTILE, 42A. Identifiers: MedGen C4310716, MONDO:0014917, OMIM 617106.

Allele frequency attached by ClinVar (database versions not stated): gnomAD 0.00001; gnomAD exomes 0.00001 and 0.00003.
gnomAD v4.1: 42 of 1,537,486 alleles (0.0027%); highest among the groups gnomAD compares: Non-Finnish European, 0.0034%; no homozygotes.

Submissions (2):

Labcorp Genetics (formerly Invitae), Labcorp
Classification: Likely benign for Developmental and epileptic encephalopathy, 42; Episodic ataxia type 2. Last evaluated: 2025-10-23. Review status: criteria provided, single submitter. Criteria: Invitae Variant Classification Sherloc (09022015). Collection method: clinical testing. Allele origin: germline.

GeneDx
Classification: Uncertain significance. Last evaluated: 2017-10-25. Review status: criteria provided, single submitter. Criteria: GeneDx Variant Classification (06012015). Collection method: clinical testing. Allele origin: germline. Affected: yes.
Comment: A variant of uncertain significance has been identified in the CACNA1A gene. The S2193L variant has not been published as a pathogenic variant, nor has it been reported as a benign variant to our knowledge. The S2193L variant is not observed at a significant frequency in large population cohorts (Lek et al., 2016). The S2193L variant is a non-conservative amino acid substitution, which is likely to impact secondary protein structure as these residues differ in polarity, charge, size and/or other properties. However, this substitution occurs at a position that is not conserved. In silico analysis is inconsistent in its predictions as to whether or not the variant is damaging to the protein structure/function. Therefore, based on the currently available information, it is unclear whether this variant is a pathogenic variant or a rare benign variant.